The following is an entry in ClinVar:

ClinVar aggregate classification (germline): Benign (1 of 4 stars; one submission).

Allele frequency attached by ClinVar (database versions not stated): ExAC 0.01001; 1000 Genomes Project 0.00359; 1000 Genomes Project 30x 0.00375; TOPMed 0.00688; ESP Exome Variant Server 0.00769; gnomAD 0.00874; gnomAD exomes 0.00944.
gnomAD v4.1: 15,053 of 1,611,896 alleles (0.93%); highest among the groups gnomAD compares: Non-Finnish European, 1%; 102 homozygotes.

Submission:

CeGaT Center for Human Genetics Tuebingen
Classification: Benign. Last evaluated: 2023-08-01. Review status: criteria provided, single submitter. Criteria: CeGaT Center For Human Genetics Tuebingen Variant Classification Criteria Version 2. Collection method: clinical testing. Allele origin: germline. Affected: yes. Observed: 1 variant allele.
Comment: APBA3: BP4, BP7, BS1, BS2

NM_004886.4(APBA3):c.561A>G (p.Pro187=)

Gene: APBA3 (amyloid beta precursor protein binding family A member 3; minus strand). Cytogenetic location: 19p13.3.
Variant type: single nucleotide variant.
Coding change: c.561A>G on transcript NM_004886.4 (MANE Select); coding-DNA position 561, A replaced by G.
Protein change: p.Pro187=; no amino-acid change (proline 187 retained).
Molecular consequence: synonymous variant.
Genome position (GRCh38, 1-based): chr19:3,759,704, T>C on the plus strand (A>G on the coding strand, the complement: APBA3 is on the minus strand). VCF-style: chr19-3759704-T-C. GRCh37 (hg19) VCF-style: chr19-3759702-T-C.
Identifiers: ClinVar variation 2649012 (VCV002649012.24), dbSNP rs34690145, ClinGen allele CA9084669.